The following is an entry in ClinVar:

ClinVar aggregate classification (germline): Conflicting classifications of pathogenicity. Review status: criteria provided, conflicting classifications (1 of 4 stars). 8 submissions from 8 submitters: Uncertain significance (1); Benign (2); Likely benign (3). 2 of the submissions do not count toward it. Last evaluated 2026-09-21.

Conditions:
Cardiovascular phenotype. Identifiers: MedGen CN230736.
Dystrophin deficiency.
Becker muscular dystrophy (BMD). Also called: Becker Muscular Dystrophy (BMD); MUSCULAR DYSTROPHY, PSEUDOHYPERTROPHIC PROGRESSIVE, BECKER TYPE. Identifiers: Orphanet 98895, MedGen C0917713, MONDO:0010311, OMIM 300376.
Duchenne muscular dystrophy (DMD). Also called: MUSCULAR DYSTROPHY, PSEUDOHYPERTROPHIC PROGRESSIVE, DUCHENNE TYPE; Duchenne Muscular Dystrophy (DMD). Identifiers: Orphanet 98896, MedGen C0013264, MONDO:0010679, OMIM 310200.
Cardiomyopathy (CMYO). Also called: Cardiomyopathies. Identifiers: Orphanet 167848, MedGen C0878544, MONDO:0004994, HP:0001638. Inheritance: Various modes of inheritance.
DMD-related disorder. Also called: DMD-related condition.

Allele frequency attached by ClinVar (database versions not stated): ESP Exome Variant Server 0.00009; gnomAD exomes 0.00003 and 0.00007; gnomAD 0.00025 and 0.00024; ExAC 0.00008; TOPMed 0.00024.
gnomAD v4.1: 65 of 1,208,856 alleles (0.0054%); highest among the groups gnomAD compares: African/African-American, 0.074%; no homozygotes.

Submissions (8):

Molecular Diagnostic Laboratory for Inherited Cardiovascular Disease, Montreal Heart Institute
Classification: Likely benign. Last evaluated: 2026-09-21. Review status: criteria provided, single submitter. Criteria: ACMG Guidelines, 2015. Collection method: clinical testing. Allele origin: germline. Affected: no.

Labcorp Genetics (formerly Invitae), Labcorp
Classification: Likely benign for Duchenne muscular dystrophy. Last evaluated: 2026-02-02. Review status: criteria provided, single submitter. Criteria: Invitae Variant Classification Sherloc (09022015). Collection method: clinical testing. Allele origin: germline.

Women's Health and Genetics/Laboratory Corporation of America, LabCorp
Classification: Benign. Last evaluated: 2023-08-19. Review status: criteria provided, single submitter. Criteria: LabCorp Variant Classification Summary - May 2015. Collection method: clinical testing. Allele origin: germline.

GeneDx
Classification: Benign. Last evaluated: 2020-05-11. Review status: criteria provided, single submitter. Criteria: GeneDx Variant Classification Process June 2021. Collection method: clinical testing. Allele origin: germline. Affected: yes.

Eurofins Ntd Llc (ga)
Classification: Uncertain significance. Last evaluated: 2018-07-19. Review status: criteria provided, single submitter. Criteria: EGL ClinVar v180209 classification definitions. Collection method: clinical testing. Allele origin: germline. Observed: 3 variant alleles, 2 heterozygotes, 1 hemizygote.

Ambry Genetics
Classification: Likely benign for Cardiovascular phenotype. Last evaluated: 2016-08-30. Review status: criteria provided, single submitter. Criteria: Ambry Variant Classification Scheme 2023. Collection method: clinical testing. Allele origin: germline.

PreventionGenetics, part of Exact Sciences
Classification: Likely benign for DMD-related condition. Last evaluated: 2019-09-13. Review status: no assertion criteria provided. Collection method: clinical testing. Allele origin: germline. Not counted in ClinVar's aggregate classification.
Comment: This variant is classified as likely benign based on ACMG/AMP sequence variant interpretation guidelines (Richards et al. 2015 PMID: 25741868, with internal and published modifications).

Natera, Inc.
Classification: Likely benign for Becker muscular dystrophy; Cardiomyopathy; Duchenne muscular dystrophy; Dystrophin deficiency. Last evaluated: 2019-06-24. Review status: no assertion criteria provided. Collection method: clinical testing. Allele origin: germline. Not counted in ClinVar's aggregate classification.

NM_004006.3(DMD):c.8076A>G (p.Gln2692=)

Gene: DMD (dystrophin; minus strand). Cytogenetic location: Xp21.1.
Variant type: single nucleotide variant.
Coding change: c.8076A>G on transcript NM_004006.3 (MANE Select); coding-DNA position 8076, A replaced by G.
Protein change: p.Gln2692=; no amino-acid change (glutamine 2692 retained).
Molecular consequence: synonymous variant.
Genome position (GRCh38, 1-based): chrX:31,627,814, T>C on the plus strand (A>G on the coding strand, the complement: DMD is on the minus strand). VCF-style: chrX-31627814-T-C. GRCh37 (hg19) VCF-style: chrX-31645931-T-C.
Other names: c.8052A>G, p.Gln2684= (NM_000109.4); c.8064A>G, p.Gln2688= (NM_004009.3); c.7707A>G, p.Gln2569= (NM_004010.3); c.4053A>G, p.Gln1351= (NM_004011.4); c.4044A>G, p.Gln1348= (NM_004012.4); c.696A>G, p.Gln232= (NM_004013.3, NM_004020.4, NM_004021.3 and 2 more transcripts).
Identifiers: ClinVar variation 197981 (VCV000197981.62), dbSNP rs144518527, ClinGen allele CA246413.